The following is an entry in ClinVar:

ClinVar aggregate classification (germline): Uncertain significance (1 of 4 stars; one submission).

Conditions:
Kabuki syndrome. Also called: NIIKAWA-KUROKI SYNDROME; Kabuki make-up syndrome. Identifiers: Orphanet 2322, MedGen C0796004, MONDO:0016512.

gnomAD v4.1: 1 of 1,613,386 alleles (0.000062%); highest among the groups gnomAD compares: Non-Finnish European, 0.000085%; no homozygotes.

Submission:

Labcorp Genetics (formerly Invitae), Labcorp
Classification: Uncertain significance for Kabuki syndrome. Last evaluated: 2025-05-10. Review status: criteria provided, single submitter. Criteria: Invitae Variant Classification Sherloc (09022015). Collection method: clinical testing. Allele origin: germline.
Comment: This sequence change replaces serine, which is neutral and polar, with phenylalanine, which is neutral and non-polar, at codon 546 of the KMT2D protein (p.Ser546Phe). This variant is not present in population databases (gnomAD no frequency). This variant has not been reported in the literature in individuals affected with KMT2D-related conditions. Invitae Evidence Modeling of protein sequence and biophysical properties (such as structural, functional, and spatial information, amino acid conservation, physicochemical variation, residue mobility, and thermodynamic stability) indicates that this missense variant is not expected to disrupt KMT2D protein function with a negative predictive value of 95%. In summary, the available evidence is currently insufficient to determine the role of this variant in disease. Therefore, it has been classified as a Variant of Uncertain Significance.

NM_003482.4(KMT2D):c.1637C>T (p.Ser546Phe)

Gene: KMT2D (lysine methyltransferase 2D; minus strand). Cytogenetic location: 12q13.12.
Variant type: single nucleotide variant.
Coding change: c.1637C>T on transcript NM_003482.4 (MANE Select); coding-DNA position 1637, C replaced by T.
Protein change: p.Ser546Phe; replaces serine 546 with phenylalanine.
Molecular consequence: missense variant.
Genome position (GRCh38, 1-based): chr12:49,052,046, G>A on the plus strand (C>T on the coding strand, the complement: KMT2D is on the minus strand). VCF-style: chr12-49052046-G-A. GRCh37 (hg19) VCF-style: chr12-49445829-G-A.
Other names: short protein forms S546F.
Identifiers: ClinVar variation 4770965 (VCV004770965.1).